The following is an entry in ClinVar:

NM_001346754.2(PIGW):c.1396G>A (p.Val466Ile)

Genes: MYO19 (myosin XIX; minus strand), PIGW (phosphatidylinositol glycan anchor biosynthesis class W; plus strand). Cytogenetic location: 17q12.
Variant type: single nucleotide variant.
Coding change: c.1396G>A on transcript NM_001346754.2 (MANE Select); coding-DNA position 1396, G replaced by A.
Protein change: p.Val466Ile; replaces valine 466 with isoleucine.
Molecular consequence: missense variant.
Genome position (GRCh38, 1-based): chr17:36,538,497, G>A. VCF-style: chr17-36538497-G-A. GRCh37 (hg19) VCF-style: chr17-34894346-G-A.
Other names: c.1396G>A, p.Val466Ile (NM_001346755.2, NM_178517.5); short protein forms V466I.
Identifiers: ClinVar variation 1388946 (VCV001388946.3), dbSNP rs2074174413, ClinGen allele CA399164890.
Genomic context (GRCh38, chr17:36,538,497, plus strand): 5'-AGAAAACAGTTAATATTTTTCTTGCTGTCAAATATAACAACTGGCCTGATCAACCTGATG[G>A]TAGATACATTACACAGCAGTACCTTGTGGGCCTTATTTGTGGTCAATCTCTATATGTTTT-3'
Protein context (NP_001333683.1, residues 456-476): NITTGLINLM[Val466Ile]DTLHSSTLWA

ClinVar aggregate classification (germline): Uncertain significance (1 of 4 stars; one submission).

Conditions:
Hyperphosphatasia with intellectual disability syndrome 5 (GPIBD11). Also called: GLYCOSYLPHOSPHATIDYLINOSITOL BIOSYNTHESIS DEFECT 11. Identifiers: Orphanet 247262, MedGen C4014958, MONDO:0014457, OMIM 616025.

Allele frequency attached by ClinVar (database versions not stated): gnomAD 0.00001; TOPMed 0.00001.
gnomAD v4.1: 1 of 1,613,942 alleles (0.000062%); highest among the groups gnomAD compares: Admixed American, 0.0017%; no homozygotes.

Submission:

Labcorp Genetics (formerly Invitae), Labcorp
Classification: Uncertain significance for Hyperphosphatasia with intellectual disability syndrome 5. Last evaluated: 2022-07-12. Review status: criteria provided, single submitter. Criteria: Invitae Variant Classification Sherloc (09022015). Collection method: clinical testing. Allele origin: germline.
Comment: This sequence change replaces valine, which is neutral and non-polar, with isoleucine, which is neutral and non-polar, at codon 466 of the PIGW protein (p.Val466Ile). This variant is not present in population databases (gnomAD no frequency). This variant has not been reported in the literature in individuals affected with PIGW-related conditions. ClinVar contains an entry for this variant (Variation ID: 1388946). Algorithms developed to predict the effect of missense changes on protein structure and function output the following: SIFT: "Tolerated"; PolyPhen-2: "Benign"; Align-GVGD: "Class C0". The isoleucine amino acid residue is found in multiple mammalian species, which suggests that this missense change does not adversely affect protein function. In summary, the available evidence is currently insufficient to determine the role of this variant in disease. Therefore, it has been classified as a Variant of Uncertain Significance.